The following is an entry in ClinVar:

ClinVar aggregate classification (germline): Benign/Likely benign. Review status: criteria provided, multiple submitters, no conflicts (2 of 4 stars). 2 submissions from 2 submitters: Benign (1); Likely benign (1). Last evaluated 2026-02-01.

Allele frequency attached by ClinVar (database versions not stated): 1000 Genomes Project 0.00280; gnomAD exomes 0.00017 and 0.00055; ESP Exome Variant Server 0.00198; ExAC 0.00206; TOPMed 0.00229; gnomAD 0.00232 and 0.00253.

Submissions (2):

CeGaT Center for Human Genetics Tuebingen
Classification: Likely benign. Last evaluated: 2026-02-01. Review status: criteria provided, single submitter. Criteria: CeGaT Center For Human Genetics Tuebingen Variant Classification Criteria Version 2. Collection method: clinical testing. Allele origin: germline. Affected: yes. Observed: 2 variant alleles.
Comment: KCNC3: PP3, BS1

Labcorp Genetics (formerly Invitae), Labcorp
Classification: Benign. Last evaluated: 2026-01-20. Review status: criteria provided, single submitter. Criteria: Invitae Variant Classification Sherloc (09022015). Collection method: clinical testing. Allele origin: germline.

NM_004977.3(KCNC3):c.649G>A (p.Ala217Thr)

Gene: KCNC3 (potassium voltage-gated channel subfamily C member 3; minus strand). Cytogenetic location: 19q13.33.
Variant type: single nucleotide variant.
Coding change: c.649G>A on transcript NM_004977.3 (MANE Select); coding-DNA position 649, G replaced by A.
Protein change: p.Ala217Thr; replaces alanine 217 with threonine.
Molecular consequence: missense variant.
Genome position (GRCh38, 1-based): chr19:50,328,434, C>T on the plus strand (G>A on the coding strand, the complement: KCNC3 is on the minus strand). VCF-style: chr19-50328434-C-T. GRCh37 (hg19) VCF-style: chr19-50831691-C-T.
Other names: c.421G>A, p.Ala141Thr (NM_001372305.1); short protein forms A141T, A217T.
Identifiers: ClinVar variation 712000 (VCV000712000.13), dbSNP rs373416318, ClinGen allele CA9594350.